The following is an entry in ClinVar:

NM_001378328.1(CELSR1):c.8707G>C (p.Glu2903Gln)

Gene: CELSR1 (cadherin EGF LAG seven-pass G-type receptor 1; minus strand). Cytogenetic location: 22q13.31.
Variant type: single nucleotide variant.
Coding change: c.8707G>C on transcript NM_001378328.1 (MANE Select); coding-DNA position 8707, G replaced by C.
Protein change: p.Glu2903Gln; replaces glutamic acid 2903 with glutamine.
Molecular consequence: missense variant.
Genome position (GRCh38, 1-based): chr22:46,364,584, C>G on the plus strand (G>C on the coding strand, the complement: CELSR1 is on the minus strand). VCF-style: chr22-46364584-C-G. GRCh37 (hg19) VCF-style: chr22-46760481-C-G.
Other names: c.8707G>C, p.Glu2903Gln (NM_014246.4); short protein forms E2903Q.
Identifiers: ClinVar variation 3056526 (VCV003056526.2), dbSNP rs9615351, ClinGen allele CA10292685.

ClinVar aggregate classification (germline): Benign (0 of 4 stars; one submission).

Conditions:
CELSR1-related disorder. Also called: CELSR1-related condition.

Allele frequency attached by ClinVar (database versions not stated): ExAC 0.22257; gnomAD exomes 0.23988; 1000 Genomes Project 0.24022; 1000 Genomes Project 30x 0.25109; gnomAD 0.30764; TOPMed 0.31307; ESP Exome Variant Server 0.33716.
gnomAD v4.1: 396,735 of 1,612,398 alleles (25%); highest among the groups gnomAD compares: African/African-American, 52%; 54,502 homozygotes.

Submission:

PreventionGenetics, part of Exact Sciences
Classification: Benign for CELSR1-related condition. Last evaluated: 2019-10-24. Review status: no assertion criteria provided. Collection method: clinical testing. Allele origin: germline.
Comment: This variant is classified as benign based on ACMG/AMP sequence variant interpretation guidelines (Richards et al. 2015 PMID: 25741868, with internal and published modifications).